The following is an entry in ClinVar:

ClinVar aggregate classification (germline): Pathogenic (1 of 4 stars; one submission).

Conditions:
Mucopolysaccharidosis, MPS-II (MPS2). Also called: Hunter Syndrome; IDURONATE 2-SULFATASE DEFICIENCY; Mucopolysaccharidosis Type II; Mucopolysaccharidosis type 2; Attenuated MPS (subtype; formerly known as mild MPS II); Severe MPS II. Identifiers: Orphanet 580, Orphanet 79388, MedGen C0026705, MONDO:0010674, OMIM 309900.

Submission:

Laboratory of Diagnosis and Therapy of Lysosomal Disorders, University of Padova
Classification: Pathogenic for Mucopolysaccharidosis, MPS-II. Last evaluated: 2024-06-07. Review status: criteria provided, single submitter. Criteria: ACMG Guidelines, 2015. Collection method: literature only. Allele origin: germline. Affected: yes. Observed: 1 variant allele.
Comment: Null variant (PVS1_Strong), In vitro or in vivo functional studies supportive of a damaging effect (PS3_Moderate), Absent from controls (or at low frequency) in gnomAD database (PM2_Moderate), Patient’s phenotype or family history highly specific for the disease (PP4_Strong)

Classification method: ACMG Guidelines [PMID:25741868] with modifications

Literature cited by the submitters: PubMed 28543354.

NM_000202.8(IDS):c.1511del (p.Gly504fs)

Gene: IDS (iduronate 2-sulfatase; minus strand). Cytogenetic location: Xq28.
Variant type: Deletion.
Coding change: c.1511del on transcript NM_000202.8 (MANE Select); coding-DNA position 1511, one base deleted (G; older notation c.1511delG).
Protein change: p.Gly504fs; shifts the reading frame from glycine 504.
Molecular consequence: frameshift variant.
Genome position (GRCh38, 1-based): chrX:149,482,888, C deleted on the plus strand (G on the coding strand, the reverse complement: IDS is on the minus strand); the first of 2 consecutive C bases (chrX:149,482,888-149,482,889); deleting either gives the same sequence. VCF-style (leftmost placement, unchanged base first): chrX-149482887-GC-G. GRCh37 (hg19) VCF-style: chrX-148564418-GC-G.
Other names: c.1241del, p.Gly414fs (NM_001166550.4); short protein forms G414fs, G504fs.
Identifiers: ClinVar variation 3256079 (VCV003256079.2).